The following is an entry in ClinVar:

NM_214462.5(DACT2):c.1419G>A (p.Pro473=)

Gene: DACT2 (dishevelled binding antagonist of beta catenin 2; minus strand). Cytogenetic location: 6q27.
Variant type: single nucleotide variant.
Coding change: c.1419G>A on transcript NM_214462.5 (MANE Select); coding-DNA position 1419, G replaced by A.
Protein change: p.Pro473=; no amino-acid change (proline 473 retained).
Molecular consequence: synonymous variant. On other transcripts: non-coding transcript variant (1), intron variant (1).
Genome position (GRCh38, 1-based): chr6:168,308,338, C>T on the plus strand (G>A on the coding strand, the complement: DACT2 is on the minus strand). VCF-style: chr6-168308338-C-T. GRCh37 (hg19) VCF-style: chr6-168709018-C-T.
Other names: c.909G>A, p.Pro303= (NM_001286350.2); c.658+1830G>A (NM_001286351.2).
Identifiers: ClinVar variation 2657142 (VCV002657142.24), dbSNP rs201301805, ClinGen allele CA4101815.

ClinVar aggregate classification (germline): Likely benign (1 of 4 stars; one submission).

Allele frequency attached by ClinVar (database versions not stated): ExAC 0.00005; TOPMed 0.00008; gnomAD 0.00013; ESP Exome Variant Server 0.00022.
gnomAD v4.1: 70 of 1,551,892 alleles (0.0045%); highest among the groups gnomAD compares: Middle Eastern, 0.017%; no homozygotes.

Submission:

CeGaT Center for Human Genetics Tuebingen
Classification: Likely benign. Last evaluated: 2022-12-01. Review status: criteria provided, single submitter. Criteria: CeGaT Center For Human Genetics Tuebingen Variant Classification Criteria Version 2. Collection method: clinical testing. Allele origin: germline. Affected: yes. Observed: 1 variant allele.
Comment: DACT2: BP4, BP7